The following is an entry in ClinVar:

NM_020376.4(PNPLA2):c.*24C>T

Gene: PNPLA2 (patatin like domain 2, triacylglycerol lipase; plus strand). Cytogenetic location: 11p15.5.
Variant type: single nucleotide variant.
Coding change: c.*24C>T on transcript NM_020376.4 (MANE Select); 24 bases downstream of the stop codon, C replaced by T.
Molecular consequence: 3 prime UTR variant.
Genome position (GRCh38, 1-based): chr11:824,886, C>T. VCF-style: chr11-824886-C-T. GRCh37 (hg19) VCF-style: chr11-824886-C-T.
Identifiers: ClinVar variation 4683576 (VCV004683576.1).
Genomic context (GRCh38, chr11:824,886, plus strand): 5'-CGAGGCCCGGCCCGTGATCGGGGCCCTGGGGCTGTGAGACCCCGACCCTCTCGAGGAACC[C>T]TGCCTGAGACGCCTCCATTACCACTGCGCAGTGAGATGAGGGGACTCACAGTTGCCAAGA-3'

ClinVar aggregate classification (germline): Likely benign (1 of 4 stars; one submission).

Submission:

Mayo Clinic Laboratories, Mayo Clinic
Classification: Likely benign. Last evaluated: 2025-07-15. Review status: criteria provided, single submitter. Criteria: ACMG Guidelines, 2015. Collection method: clinical testing. Allele origin: germline. Observed: 1 variant allele.
Comment: PM2_supporting